The following is an entry in ClinVar:

ClinVar aggregate classification (germline): Pathogenic (1 of 4 stars; one submission).

Conditions:
Multiple endocrine neoplasia, type 1 (MEN1). Also called: MEA I; MEN I; WERMER SYNDROME; Endocrine adenomatosis multiple; MEN 1. Identifiers: Orphanet 652, MedGen C0025267, MeSH D018761, MONDO:0007540, OMIM 131100.

Submission:

Labcorp Genetics (formerly Invitae), Labcorp
Classification: Pathogenic for Multiple endocrine neoplasia, type 1. Last evaluated: 2021-02-03. Review status: criteria provided, single submitter. Criteria: Invitae Variant Classification Sherloc (09022015). Collection method: clinical testing. Allele origin: germline.
Comment: This sequence change creates a premature translational stop signal (p.Glu287*) in the MEN1 gene. It is expected to result in an absent or disrupted protein product. Loss-of-function variants in MEN1 are known to be pathogenic (PMID: 12112656, 17853334). For these reasons, this variant has been classified as Pathogenic. This variant has not been reported in the literature in individuals with MEN1-related conditions. This variant is not present in population databases (ExAC no frequency).

Literature cited by the submitters: PubMed 12112656; PubMed 17853334.

NM_001370259.2(MEN1):c.859G>T (p.Glu287Ter)

Gene: MEN1 (menin 1; minus strand). Cytogenetic location: 11q13.1.
Variant type: single nucleotide variant.
Coding change: c.859G>T on transcript NM_001370259.2 (MANE Select); coding-DNA position 859, G replaced by T.
Protein change: p.Glu287Ter; replaces glutamic acid 287 with a stop codon.
Molecular consequence: nonsense.
Genome position (GRCh38, 1-based): chr11:64,807,064, C>A on the plus strand (G>T on the coding strand, the complement: MEN1 is on the minus strand). VCF-style: chr11-64807064-C-A. GRCh37 (hg19) VCF-style: chr11-64574536-C-A.
Other names: c.874G>T, p.Glu292Ter (NM_000244.4, NM_130800.3, NM_130801.3 and 3 more transcripts); c.859G>T, p.Glu287Ter (NM_001370251.2, NM_001370260.2, NM_001370261.2 and 1 more transcripts); c.754G>T, p.Glu252Ter (NM_001370262.2, NM_001370263.2); short protein forms E252*, E292*, E287*.
Identifiers: ClinVar variation 1372174 (VCV001372174.6), dbSNP rs2136129231, ClinGen allele CA381183610.